The following is an entry in ClinVar:

NC_000011.9:g.(?_65420156)_(65422230_?)del

Gene: RELA (RELA proto-oncogene, NF-kB subunit; minus strand). Cytogenetic location: 11q13.1.
Variant type: Deletion.
Identifiers: ClinVar variation 3244785 (VCV003244785.1).

ClinVar aggregate classification (germline): Pathogenic (1 of 4 stars; one submission).

Submission:

Labcorp Genetics (formerly Invitae), Labcorp
Classification: Pathogenic. Last evaluated: 2023-10-26. Review status: criteria provided, single submitter. Criteria: Invitae Variant Classification Sherloc (09022015). Collection method: clinical testing. Allele origin: unknown.
Comment: This variant results in the deletion of part of exon 11 (c.1275_*1693del) of the RELA gene. While this deletion is not anticipated to lead to nonsense mediated decay, it is expected to alter mRNA translation or result in a truncated protein product. This variant has not been reported in the literature in individuals affected with RELA-related conditions. This variant disrupts a region of the RELA protein in which other variant(s) (p.His487Thrfs*7) have been determined to be pathogenic (PMID: 32969189). This suggests that this is a clinically significant region of the protein, and that variants that disrupt it are likely to be disease-causing. For these reasons, this variant has been classified as Pathogenic.

Literature cited by the submitters: PubMed 32969189.